The following is an entry in ClinVar:

ClinVar aggregate classification (germline): Conflicting classifications of pathogenicity. Review status: criteria provided, conflicting classifications (1 of 4 stars). 6 submissions from 6 submitters: Uncertain significance (3); Likely benign (2). 1 of the submissions does not count toward it. Last evaluated 2025-11-17.

Conditions:
MAN1B1-related disorder. Also called: MAN1B1-related condition; MAN1B1-related disorders.
Inborn genetic diseases. Identifiers: MedGen C0950123, MeSH D030342.
Rafiq syndrome (RAFQS). Identifiers: Orphanet 88616, MedGen C3280127, MONDO:0013624, OMIM 614202.

Allele frequency attached by ClinVar (database versions not stated): gnomAD exomes 0.00016 and 0.00031; ExAC 0.00058; 1000 Genomes Project 30x 0.00109; gnomAD 0.00109 and 0.00118; ESP Exome Variant Server 0.00117; 1000 Genomes Project 0.00120; TOPMed 0.00139.
gnomAD v4.1: 394 of 1,558,944 alleles (0.025%); highest among the groups gnomAD compares: African/African-American, 0.41%; 1 homozygote.

Submissions (6):

Labcorp Genetics (formerly Invitae), Labcorp
Classification: Likely benign for Rafiq syndrome. Last evaluated: 2025-11-17. Review status: criteria provided, single submitter. Criteria: Invitae Variant Classification Sherloc (09022015). Collection method: clinical testing. Allele origin: germline.

Ambry Genetics
Classification: Likely benign for Inborn genetic diseases. Last evaluated: 2025-08-20. Review status: criteria provided, single submitter. Criteria: Ambry Variant Classification Scheme 2023. Collection method: clinical testing. Allele origin: germline.

Greenwood Genetic Center Diagnostic Laboratories, Greenwood Genetic Center
Classification: Uncertain significance. Last evaluated: 2023-09-13. Review status: criteria provided, single submitter. Criteria: ACMG Guidelines, 2015. Collection method: clinical testing. Allele origin: germline. Affected: yes.

New York Genome Center
Classification: Uncertain significance for Rafiq syndrome. Last evaluated: 2019-11-12. Review status: criteria provided, single submitter. Criteria: NYGC Assertion Criteria 2020. Collection method: clinical testing. Allele origin: germline. Observed: 1 heterozygote. Study: CSER-NYCKidSeq.

Genetic Services Laboratory, University of Chicago
Classification: Uncertain significance. Last evaluated: 2017-08-03. Review status: criteria provided, single submitter. Criteria: ACMG Guidelines, 2015. Collection method: clinical testing. Allele origin: germline. Affected: no.

PreventionGenetics, part of Exact Sciences
Classification: Likely benign for MAN1B1-related condition. Last evaluated: 2022-06-06. Review status: no assertion criteria provided. Collection method: clinical testing. Allele origin: germline. Not counted in ClinVar's aggregate classification.
Comment: This variant is classified as likely benign based on ACMG/AMP sequence variant interpretation guidelines (Richards et al. 2015 PMID: 25741868, with internal and published modifications).

NM_016219.5(MAN1B1):c.707C>T (p.Pro236Leu)

Gene: MAN1B1 (mannosidase alpha class 1B member 1; plus strand). Cytogenetic location: 9q34.3.
Variant type: single nucleotide variant.
Coding change: c.707C>T on transcript NM_016219.5 (MANE Select); coding-DNA position 707, C replaced by T.
Protein change: p.Pro236Leu; replaces proline 236 with leucine.
Molecular consequence: missense variant. On other transcripts: non-coding transcript variant (2).
Genome position (GRCh38, 1-based): chr9:137,097,914, C>T. VCF-style: chr9-137097914-C-T. GRCh37 (hg19) VCF-style: chr9-139992366-C-T.
Other names: short protein forms P236L.
Identifiers: ClinVar variation 800258 (VCV000800258.21), dbSNP rs147577332, ClinGen allele CA5358733.